The following is an entry in ClinVar:

ClinVar aggregate classification (germline): Uncertain significance (1 of 4 stars; one submission).

Submission:

GeneDx
Classification: Uncertain significance. Last evaluated: 2021-06-28. Review status: criteria provided, single submitter. Criteria: GeneDx Variant Classification Process June 2021. Collection method: clinical testing. Allele origin: germline. Affected: yes.
Comment: Has not been previously published as pathogenic or benign to our knowledge; Not observed at significant frequency in large population cohorts (Lek et al., 2016); In silico analysis supports that this missense variant has a deleterious effect on protein structure/function; This variant is associated with the following publications: (PMID: 27535533)

NM_003482.4(KMT2D):c.4339G>T (p.Asp1447Tyr)

Gene: KMT2D (lysine methyltransferase 2D; minus strand). Cytogenetic location: 12q13.12.
Variant type: single nucleotide variant.
Coding change: c.4339G>T on transcript NM_003482.4 (MANE Select); coding-DNA position 4339, G replaced by T.
Protein change: p.Asp1447Tyr; replaces aspartic acid 1447 with tyrosine.
Molecular consequence: missense variant.
Genome position (GRCh38, 1-based): chr12:49,046,688, C>A on the plus strand (G>T on the coding strand, the complement: KMT2D is on the minus strand). VCF-style: chr12-49046688-C-A. GRCh37 (hg19) VCF-style: chr12-49440471-C-A.
Other names: short protein forms D1447Y.
Identifiers: ClinVar variation 1331271 (VCV001331271.2), dbSNP rs2120611216, ClinGen allele CA384647065.